The following is an entry in ClinVar:

ClinVar aggregate classification (germline): Uncertain significance (1 of 4 stars; one submission).

Conditions:
Cardiovascular phenotype. Identifiers: MedGen CN230736.

gnomAD v4.1: 1 of 1,614,066 alleles (0.000062%); highest among the groups gnomAD compares: Non-Finnish European, 0.000085%; no homozygotes.

Submission:

Ambry Genetics
Classification: Uncertain significance for Cardiovascular phenotype. Last evaluated: 2024-05-12. Review status: criteria provided, single submitter. Criteria: Ambry Variant Classification Scheme 2023. Collection method: clinical testing. Allele origin: germline.
Comment: The p.N573D variant (also known as c.1717A>G), located in coding exon 11 of the GAA gene, results from an A to G substitution at nucleotide position 1717. The asparagine at codon 573 is replaced by aspartic acid, an amino acid with highly similar properties. This amino acid position is conserved. In addition, this alteration is predicted to be deleterious by in silico analysis. Based on the available evidence, the clinical significance of this variant remains unclear.

NM_000152.5(GAA):c.1717A>G (p.Asn573Asp)

Gene: GAA (alpha glucosidase; plus strand). Cytogenetic location: 17q25.3.
Variant type: single nucleotide variant.
Coding change: c.1717A>G on transcript NM_000152.5 (MANE Select); coding-DNA position 1717, A replaced by G.
Protein change: p.Asn573Asp; replaces asparagine 573 with aspartic acid.
Molecular consequence: missense variant.
Genome position (GRCh38, 1-based): chr17:80,112,063, A>G. VCF-style: chr17-80112063-A-G. GRCh37 (hg19) VCF-style: chr17-78085862-A-G.
Other names: c.1717A>G, p.Asn573Asp (NM_001079803.3, NM_001079804.3, NM_001406741.1 and 1 more transcripts); short protein forms N573D.
Identifiers: ClinVar variation 3280341 (VCV003280341.1).